The following is an entry in ClinVar:

NM_000540.3(RYR1):c.58G>A (p.Val20Ile)

Gene: RYR1 (ryanodine receptor 1; plus strand). Cytogenetic location: 19q13.2.
Variant type: single nucleotide variant.
Coding change: c.58G>A on transcript NM_000540.3 (MANE Select); coding-DNA position 58, G replaced by A.
Protein change: p.Val20Ile; replaces valine 20 with isoleucine.
Molecular consequence: missense variant.
Genome position (GRCh38, 1-based): chr19:38,440,757, G>A. VCF-style: chr19-38440757-G-A. GRCh37 (hg19) VCF-style: chr19-38931397-G-A.
Other names: c.58G>A, p.Val20Ile (NM_001042723.2); short protein forms V20I.
Identifiers: ClinVar variation 3063659 (VCV003063659.2), dbSNP rs913061393, ClinGen allele CA308106627.

ClinVar aggregate classification (germline): Uncertain significance. Review status: criteria provided, multiple submitters, no conflicts (2 of 4 stars). 2 submissions from 2 submitters: Uncertain significance (2). Last evaluated 2024-01-03.

Conditions:
Malignant hyperthermia, susceptibility to, 1 (MHS1). Also called: RYR1-Related Malignant Hyperthermia Susceptibility; Anesthesia related hyperthermia; Malignant hyperpyrexia; Fulminating hyperpyrexia; Pharmacogenic myopathy; Malignant hyperthermia suceptibility 1. Identifiers: Orphanet 423, MedGen C2930980, MONDO:0007783, OMIM 145600.

Allele frequency attached by ClinVar (database versions not stated): gnomAD exomes below 0.00001.
gnomAD v4.1: 2 of 1,607,680 alleles (0.00012%); highest among the groups gnomAD compares: Non-Finnish European, 0.00017%; no homozygotes.

Submissions (2):

Women's Health and Genetics/Laboratory Corporation of America, LabCorp
Classification: Uncertain significance. Last evaluated: 2024-01-03. Review status: criteria provided, single submitter. Criteria: LabCorp Variant Classification Summary - May 2015. Collection method: clinical testing. Allele origin: germline.
Comment: Variant summary: RYR1 c.58G>A (p.Val20Ile) results in a conservative amino acid change located in the Inositol 1,4,5-trisphosphate/ryanodine receptor domain (IPR014821) of the encoded protein sequence. Three of five in-silico tools predict a damaging effect of the variant on protein function. The variant was absent in 240326 control chromosomes (gnomAD). The available data on variant occurrences in the general population are insufficient to allow any conclusion about variant significance. To our knowledge, no occurrence of c.58G>A in individuals affected with Myopathy, RYR1-Associated and no experimental evidence demonstrating its impact on protein function have been reported. No submitters have cited clinical-significance assessments for this variant to ClinVar after 2014. Based on the evidence outlined above, the variant was classified as uncertain significance.

All of Us Research Program, National Institutes of Health
Classification: Uncertain significance for Malignant hyperthermia, susceptibility to, 1. Last evaluated: 2023-03-23. Review status: criteria provided, single submitter. Criteria: ACMG Guidelines, 2015. Collection method: clinical testing. Allele origin: germline. Inheritance: Autosomal dominant inheritance. Observed: 1 variant allele, 1 heterozygote.
Comment: This missense variant replaces valine with isoleucine at codon 20 of the RYR1 protein. Computational prediction is inconclusive regarding the impact of this variant on protein structure and function (internally defined REVEL score threshold 0.5 < inconclusive < 0.7, PMID: 27666373). To our knowledge, functional studies have not been reported for this variant. This variant has not been reported in individuals affected with RYR1-related disorders in the literature. This variant has not been identified in the general population by the Genome Aggregation Database (gnomAD). The available evidence is insufficient to determine the role of this variant in disease conclusively. Therefore, this variant is classified as a Variant of Uncertain Significance.

This study involves interpretation of variants in research participants for the purpose of population health screening. Participant phenotype was not available at the time of variant classification. Additional details can be found in publication PMID: 35346344, PMCID: PMC8962531